The following is an entry in ClinVar:

ClinVar aggregate classification (germline): Uncertain significance (1 of 4 stars; one submission).

Allele frequency attached by ClinVar (database versions not stated): gnomAD 0.00001; gnomAD exomes 0.00002; TOPMed 0.00005; ESP Exome Variant Server 0.00022.
gnomAD v4.1: 33 of 1,551,536 alleles (0.0021%); highest among the groups gnomAD compares: Admixed American, 0.012%; no homozygotes.

Submission:

Labcorp Genetics (formerly Invitae), Labcorp
Classification: Uncertain significance. Last evaluated: 2024-04-03. Review status: criteria provided, single submitter. Criteria: Invitae Variant Classification Sherloc (09022015). Collection method: clinical testing. Allele origin: germline.
Comment: This sequence change replaces arginine, which is basic and polar, with glutamine, which is neutral and polar, at codon 1176 of the ZSWIM6 protein (p.Arg1176Gln). This variant is present in population databases (rs201456700, gnomAD 0.03%). This variant has not been reported in the literature in individuals affected with ZSWIM6-related conditions. Advanced modeling of protein sequence and biophysical properties (such as structural, functional, and spatial information, amino acid conservation, physicochemical variation, residue mobility, and thermodynamic stability) performed at Invitae indicates that this missense variant is not expected to disrupt ZSWIM6 protein function with a negative predictive value of 80%. In summary, the available evidence is currently insufficient to determine the role of this variant in disease. Therefore, it has been classified as a Variant of Uncertain Significance.

NM_020928.2(ZSWIM6):c.3527G>A (p.Arg1176Gln)

Gene: ZSWIM6 (zinc finger SWIM-type containing 6; plus strand). Cytogenetic location: 5q12.1.
Variant type: single nucleotide variant.
Coding change: c.3527G>A on transcript NM_020928.2 (MANE Select); coding-DNA position 3527, G replaced by A.
Protein change: p.Arg1176Gln; replaces arginine 1176 with glutamine.
Molecular consequence: missense variant.
Genome position (GRCh38, 1-based): chr5:61,544,196, G>A. VCF-style: chr5-61544196-G-A. GRCh37 (hg19) VCF-style: chr5-60840023-G-A.
Other names: short protein forms R1176Q.
Identifiers: ClinVar variation 3023703 (VCV003023703.3), dbSNP rs201456700, ClinGen allele CA119664279.